The following is an entry in ClinVar:

ClinVar aggregate classification (germline): Pathogenic. Review status: criteria provided, multiple submitters, no conflicts (2 of 4 stars). 4 submissions from 3 submitters: Pathogenic (2). 2 of the submissions do not count toward it. Last evaluated 2025-08-15.

Conditions:
Inborn genetic diseases. Identifiers: MedGen C0950123, MeSH D030342.
Symphalangism, proximal, 1B (SYM1B). Identifiers: Orphanet 3250, MedGen C3809104, MONDO:0014125, OMIM 615298.
Multiple synostoses syndrome 2 (SYNS2). Identifiers: Orphanet 3237, MedGen C1832708, MONDO:0012394, OMIM 610017.

Submissions (4):

Ambry Genetics
Classification: Pathogenic for Inborn genetic diseases. Last evaluated: 2025-08-15. Review status: criteria provided, single submitter. Criteria: Ambry Variant Classification Scheme 2023. Collection method: clinical testing. Allele origin: germline.
Comment: The c.1313G>T (p.R438L) alteration is located in exon 2 (coding exon 2) of the GDF5 gene. This alteration results from a G to T substitution at nucleotide position 1313, causing the arginine (R) at amino acid position 438 to be replaced by a leucine (L). for autosomal dominant GDF5-related symphalangism; however, its clinical significance for autosomal dominant/autosomal recessive GDF5-related osteochondrodysplasia is uncertain. This variant was not reported in population-based cohorts in the Genome Aggregation Database (gnomAD). This variant was identified in one or more individuals with features consistent with GDF5-related symphalangism (Seemann, 2005; Dawson, 2006; Leonidou, 2016) and segregated with disease in at least one family (Dawson, 2006; Leonidou, 2016). This amino acid position is highly conserved in available vertebrate species. In multiple assays testing GDF5 function, this variant showed functionally abnormal results (Seemann, 2005; Malinauskas, 2020). The p.R438L alteration is predicted to be deleterious by in silico analysis. Based on the available evidence, this alteration is classified as pathogenic.

Labcorp Genetics (formerly Invitae), Labcorp
Classification: Pathogenic. Last evaluated: 2024-10-11. Review status: criteria provided, single submitter. Criteria: Invitae Variant Classification Sherloc (09022015). Collection method: clinical testing. Allele origin: germline.
Comment: This sequence change replaces arginine, which is basic and polar, with leucine, which is neutral and non-polar, at codon 438 of the GDF5 protein (p.Arg438Leu). This variant is not present in population databases (gnomAD no frequency). This missense change has been observed in individuals with symphalangism (PMID: 16127465, 16532400, 28032038). It has also been observed to segregate with disease in related individuals. This variant is also known as 1632G>T. ClinVar contains an entry for this variant (Variation ID: 8386). Invitae Evidence Modeling of protein sequence and biophysical properties (such as structural, functional, and spatial information, amino acid conservation, physicochemical variation, residue mobility, and thermodynamic stability) indicates that this missense variant is not expected to disrupt GDF5 protein function with a negative predictive value of 80%. This variant disrupts the p.Arg438 amino acid residue in GDF5. Other variant(s) that disrupt this residue have been determined to be pathogenic (PMID: 9288091, 12357473, 16005596, 16532400, 23483675). This suggests that this residue is clinically significant, and that variants that disrupt this residue are likely to be disease-causing. For these reasons, this variant has been classified as Pathogenic.

OMIM
Classification: Pathogenic for SYMPHALANGISM, PROXIMAL, 1B. Last evaluated: 2006-04-01. Review status: no assertion criteria provided. Collection method: literature only. Allele origin: germline. Not counted in ClinVar's aggregate classification.

OMIM
Classification: Pathogenic for MULTIPLE SYNOSTOSES SYNDROME 2. Last evaluated: 2006-04-01. Review status: no assertion criteria provided. Collection method: literature only. Allele origin: germline. Not counted in ClinVar's aggregate classification.

Literature cited by the submitters: PubMed 16127465 (cited by 3 submitters); PubMed 16532400 (cited by 3 submitters); PubMed 28032038 (cited by Ambry Genetics and Labcorp Genetics (formerly Invitae), Labcorp); PubMed 32576689 (cited by Ambry Genetics); PubMed 9288091 (cited by Labcorp Genetics (formerly Invitae), Labcorp); PubMed 12357473 (cited by Labcorp Genetics (formerly Invitae), Labcorp); PubMed 16005596 (cited by Labcorp Genetics (formerly Invitae), Labcorp); PubMed 23483675 (cited by Labcorp Genetics (formerly Invitae), Labcorp).

NM_000557.5(GDF5):c.1313G>T (p.Arg438Leu)

Genes: GDF5 (growth differentiation factor 5; minus strand), GDF5-AS1 (GDF5 antisense RNA 1; plus strand). Cytogenetic location: 20q11.22.
Variant type: single nucleotide variant.
Coding change: c.1313G>T on transcript NM_000557.5 (MANE Select); coding-DNA position 1313, G replaced by T.
Protein change: p.Arg438Leu; replaces arginine 438 with leucine.
Molecular consequence: missense variant. On other transcripts: non-coding transcript variant (1).
Genome position (GRCh38, 1-based): chr20:35,434,102, C>A on the plus strand (G>T on the coding strand, the complement: GDF5 is on the minus strand). VCF-style: chr20-35434102-C-A. GRCh37 (hg19) VCF-style: chr20-34021900-C-A.
Other names: c.1313G>T (NM_000557.2); c.1313G>T, p.Arg438Leu (NM_001319138.2); short protein forms R438L.
Identifiers: ClinVar variation 8386 (VCV000008386.5), dbSNP rs74315388, ClinGen allele CA119569.